The following is an entry in ClinVar:

ClinVar aggregate classification (germline): Likely pathogenic. Review status: criteria provided, single submitter (1 of 4 stars). 2 submissions from 2 submitters: Likely pathogenic (1). 1 of the submissions does not count toward it. Last evaluated 2020-12-04.

Conditions:
Mitochondrial complex IV deficiency, nuclear type 19. Also called: Mitochondrial complex 4 deficiency, nuclear type 19. Identifiers: MedGen C5436723, MONDO:0033654, OMIM 619063.

gnomAD v4.1: 1 of 1,537,120 alleles (0.000065%); no homozygotes.

Submissions (2):

SIB Swiss Institute of Bioinformatics
Classification: Likely pathogenic for Mitochondrial complex IV deficiency, nuclear type 19. Last evaluated: 2020-12-04. Review status: criteria provided, single submitter. Criteria: ACMG Guidelines, 2015. Collection method: curation. Allele origin: unknown.
Comment: This variant is interpreted as Likely pathogenic for Mitochondrial complex IV deficiency,nuclear type 19, autosomal recessive. The following ACMG Tag(s) were applied: Absent from controls (or at extremely low frequency if recessive) in Exome Sequencing Project, 1000 Genomes Project, or Exome Aggregation Consortium (PM2); Cosegregation with disease in multiple affected family members in a gene definitively known to cause the disease (PP1); Protein length changes as a result of in-frame deletions/insertions in a nonrepeat region or stop-loss variants (PM4); Well-established functional studies show a deleterious effect (PS3 downgraded to moderate).

OMIM
Classification: Pathogenic for MITOCHONDRIAL COMPLEX IV DEFICIENCY, NUCLEAR TYPE 19 (1 family). Last evaluated: 2020-10-23. Review status: no assertion criteria provided. Collection method: literature only. Allele origin: germline. Not counted in ClinVar's aggregate classification.

Literature cited by the submitters: PubMed 28386624 (cited by SIB Swiss Institute of Bioinformatics and OMIM).

NM_001164811.2(PET117):c.172C>T (p.Gln58Ter)

Genes: KAT14 (lysine acetyltransferase 14; plus strand), PET117 (PET117 cytochrome c oxidase chaperone; plus strand). Cytogenetic location: 20p11.23.
Variant type: single nucleotide variant.
Coding change: c.172C>T on transcript NM_001164811.2 (MANE Select); coding-DNA position 172, C replaced by T.
Protein change: p.Gln58Ter; replaces glutamine 58 with a stop codon.
Molecular consequence: nonsense. On other transcripts: 5 prime UTR variant (15).
Genome position (GRCh38, 1-based): chr20:18,142,283, C>T. VCF-style: chr20-18142283-C-T. GRCh37 (hg19) VCF-style: chr20-18122927-C-T.
Other names: 172C-T; c.-378C>T (NM_001384192.3, NM_001392069.1, NM_001392070.1 and 12 more transcripts); short protein forms Q58*.
Identifiers: ClinVar variation 981504 (VCV000981504.2), dbSNP rs2037617604, ClinGen allele CA408336349.